The following is an entry in ClinVar:

ClinVar aggregate classification (germline): Pathogenic (1 of 4 stars; one submission).

Conditions:
Osteogenesis imperfecta type I (OI1). Also called: OI, TYPE I; OSTEOGENESIS IMPERFECTA TARDA; OSTEOGENESIS IMPERFECTA WITH BLUE SCLERAE; Osteogenesis imperfecta type 1; Lobstein disease; Classic Non-deforming Osteogenesis Imperfecta with Blue Sclerae. Identifiers: Orphanet 216796, Orphanet 666, MedGen C0023931, MONDO:0008146, OMIM 166200. Disease mechanism: loss of function.

Submission:

Labcorp Genetics (formerly Invitae), Labcorp
Classification: Pathogenic for Osteogenesis imperfecta type I. Last evaluated: 2019-10-08. Review status: criteria provided, single submitter. Criteria: Invitae Variant Classification Sherloc (09022015). Collection method: clinical testing. Allele origin: germline.
Comment: This variant has not been reported in the literature in individuals with COL1A1-related conditions. For these reasons, this variant has been classified as Pathogenic. Loss-of-function variants in COL1A1 are known to be pathogenic (PMID: 7942841, 9295084, 9443882). This variant is not present in population databases (ExAC no frequency). This sequence change creates a premature translational stop signal (p.Val349Leufs*193) in the COL1A1 gene. It is expected to result in an absent or disrupted protein product.

Literature cited by the submitters: PubMed 7942841; PubMed 9295084; PubMed 9443882.

NM_000088.4(COL1A1):c.1042_1043dup (p.Val349fs)

Gene: COL1A1 (collagen type I alpha 1 chain; minus strand). Cytogenetic location: 17q21.33.
Variant type: Duplication.
Coding change: c.1042_1043dup on transcript NM_000088.4 (MANE Select); coding-DNA positions 1042 to 1043, 2 bases duplicated (GC; older notation c.1042_1043dupGC).
Protein change: p.Val349fs; shifts the reading frame from valine 349.
Molecular consequence: frameshift variant.
Genome position (GRCh38, 1-based): chr17:50,195,936-50,195,937, GC duplicated on the plus strand (GC on the coding strand, the reverse complement: COL1A1 is on the minus strand). VCF-style (leftmost placement, unchanged base first): chr17-50195935-A-AGC. GRCh37 (hg19) VCF-style: chr17-48273296-A-AGC.
Other names: short protein forms V349fs.
Identifiers: ClinVar variation 955441 (VCV000955441.8), dbSNP rs1907543361, ClinGen allele CA1139665708.